The following is an entry in ClinVar:

ClinVar aggregate classification (germline): Conflicting classifications of pathogenicity. Review status: criteria provided, conflicting classifications (1 of 4 stars). 6 submissions from 6 submitters: Uncertain significance (5); Likely benign (1). Last evaluated 2026-03-16.

Conditions:
Hereditary spastic paraplegia 30. Identifiers: Orphanet 101010, MedGen C5235139, MONDO:0012476.
Neuropathy, hereditary sensory, type 2C. Also called: KIF1A-Related HSAN2 (HSAN2C); Hereditary sensory and autonomic neuropathy type IIC. Identifiers: Orphanet 970, MedGen C3280168, MONDO:0013634, OMIM 614213.
Intellectual disability, autosomal dominant 9 (NESCAVS). Also called: NESCAV SYNDROME; KIF1A-Related Neurodevelopmental Disorder. Identifiers: Orphanet 662367, MedGen C5393830, MONDO:0013656, OMIM 614255.
KIF1A-related disorder. Also called: KIF1A-related disorders; KIF1A-related condition.
Hereditary spastic paraplegia. Also called: Familial spastic paraparesis. Identifiers: Orphanet 685, MedGen C0037773, MONDO:0019064. Disease mechanism: loss of function.
Inborn genetic diseases. Identifiers: MedGen C0950123, MeSH D030342.

Allele frequency attached by ClinVar (database versions not stated): TOPMed 0.00004; gnomAD 0.00006 and 0.00007; gnomAD exomes 0.00006 and 0.00007; ExAC 0.00009; 1000 Genomes Project 0.00020; 1000 Genomes Project 30x 0.00031.
gnomAD v4.1: 93 of 1,611,244 alleles (0.0058%); highest among the groups gnomAD compares: Middle Eastern, 0.05%; 1 homozygote.

Submissions (6):

PreventionGenetics, part of Exact Sciences
Classification: Uncertain significance for KIF1A-related condition. Last evaluated: 2026-03-16. Review status: criteria provided, single submitter. Criteria: ACMG Guidelines, 2015. Collection method: clinical testing. Allele origin: germline.
Comment: The KIF1A c.1847C>T variant is predicted to result in the amino acid substitution p.Thr616Met. To our knowledge, this variant has not been reported in the literature. This variant is reported in 0.022% of alleles in individuals of African descent in gnomAD. At this time, the clinical significance of this variant is uncertain due to the absence of conclusive functional and genetic evidence.

Labcorp Genetics (formerly Invitae), Labcorp
Classification: Likely benign for Hereditary spastic paraplegia 30; Neuropathy, hereditary sensory, type 2C; Intellectual disability, autosomal dominant 9. Last evaluated: 2026-02-03. Review status: criteria provided, single submitter. Criteria: Invitae Variant Classification Sherloc (09022015). Collection method: clinical testing. Allele origin: germline.

GeneDx
Classification: Uncertain significance. Last evaluated: 2024-12-09. Review status: criteria provided, single submitter. Criteria: GeneDx Variant Classification Process June 2021. Collection method: clinical testing. Allele origin: germline. Affected: yes.
Comment: In silico analysis supports that this missense variant has a deleterious effect on protein structure/function; Has not been previously published as pathogenic or benign to our knowledge

Ambry Genetics
Classification: Uncertain significance for Inborn genetic diseases. Last evaluated: 2022-02-02. Review status: criteria provided, single submitter. Criteria: Ambry Variant Classification Scheme 2023. Collection method: clinical testing. Allele origin: germline.
Comment: The p.T616M variant (also known as c.1847C>T), located in coding exon 20 of the KIF1A gene, results from a C to T substitution at nucleotide position 1847. The threonine at codon 616 is replaced by methionine, an amino acid with similar properties. This amino acid position is highly conserved in available vertebrate species. In addition, the in silico prediction for this alteration is inconclusive. Since supporting evidence is limited at this time, the clinical significance of this alteration remains unclear.

CeGaT Center for Human Genetics Tuebingen
Classification: Uncertain significance. Last evaluated: 2018-12-01. Review status: criteria provided, single submitter. Criteria: CeGaT Center For Human Genetics Tuebingen Variant Classification Criteria Version 2. Collection method: clinical testing. Allele origin: germline. Affected: yes. Observed: 2 variant alleles.

Genome Diagnostics Laboratory, The Hospital for Sick Children
Classification: Uncertain significance for Hereditary spastic paraplegia. Last evaluated: 2017-10-02. Review status: criteria provided, single submitter. Criteria: ACMG Guidelines, 2015. Collection method: clinical testing. Allele origin: germline. Affected: yes.

NM_001244008.2(KIF1A):c.1847C>T (p.Thr616Met)

Gene: KIF1A (kinesin family member 1A; minus strand). Cytogenetic location: 2q37.3.
Variant type: single nucleotide variant.
Coding change: c.1847C>T on transcript NM_001244008.2 (MANE Select); coding-DNA position 1847, C replaced by T.
Protein change: p.Thr616Met; replaces threonine 616 with methionine.
Molecular consequence: missense variant.
Genome position (GRCh38, 1-based): chr2:240,763,268, G>A on the plus strand (C>T on the coding strand, the complement: KIF1A is on the minus strand). VCF-style: chr2-240763268-G-A. GRCh37 (hg19) VCF-style: chr2-241702685-G-A.
Other names: c.1847C>T, p.Thr616Met (NM_001320705.2, NM_001330289.2, NM_001379638.1); c.1922C>T, p.Thr641Met (NM_001330290.2, NM_001379631.1, NM_001379634.1 and 2 more transcripts); c.1820C>T, p.Thr607Met (NM_001379632.1, NM_001379633.1, NM_001379636.1 and 10 more transcripts); c.1895C>T, p.Thr632Met (NM_001379637.1, NM_001379648.1); short protein forms T616M, T607M, T641M, T632M.
Identifiers: ClinVar variation 573347 (VCV000573347.60), dbSNP rs370071963, ClinGen allele CA2208264.